The following is an entry in ClinVar:

ClinVar aggregate classification (germline): Uncertain significance. Review status: criteria provided, multiple submitters, no conflicts (2 of 4 stars). 2 submissions from 2 submitters: Uncertain significance (2). Last evaluated 2026-06-03.

Conditions:
Lowe syndrome (OCRL). Also called: LOWE OCULOCEREBRORENAL SYNDROME; PHOSPHATIDYLINOSITOL 4,5-BISPHOSPHATE 5-PHOSPHATASE DEFICIENCY; Oculocerebrorenal Syndrome. Identifiers: Orphanet 534, MedGen C0028860, MONDO:0010645, OMIM 309000.
Nephrolithiasis/nephrocalcinosis. Identifiers: MedGen CN580796.

Allele frequency attached by ClinVar (database versions not stated): gnomAD 0.00001; TOPMed 0.00002.
gnomAD v4.1: 4 of 1,151,219 alleles (0.00035%); highest among the groups gnomAD compares: Non-Finnish European, 0.00048%; no homozygotes.

Submissions (2):

Ambry Genetics
Classification: Uncertain significance for Nephrolithiasis/nephrocalcinosis. Last evaluated: 2026-06-03. Review status: criteria provided, single submitter. Criteria: Ambry Variant Classification Scheme 2023. Collection method: clinical testing. Allele origin: germline.

Labcorp Genetics (formerly Invitae), Labcorp
Classification: Uncertain significance for Lowe syndrome. Last evaluated: 2022-04-19. Review status: criteria provided, single submitter. Criteria: Invitae Variant Classification Sherloc (09022015). Collection method: clinical testing. Allele origin: germline.
Comment: This sequence change replaces isoleucine, which is neutral and non-polar, with valine, which is neutral and non-polar, at codon 55 of the OCRL protein (p.Ile55Val). This variant is not present in population databases (gnomAD no frequency). This variant has not been reported in the literature in individuals affected with OCRL-related conditions. Advanced modeling of protein sequence and biophysical properties (such as structural, functional, and spatial information, amino acid conservation, physicochemical variation, residue mobility, and thermodynamic stability) performed at Invitae indicates that this missense variant is not expected to disrupt OCRL protein function. In summary, the available evidence is currently insufficient to determine the role of this variant in disease. Therefore, it has been classified as a Variant of Uncertain Significance.

NM_000276.4(OCRL):c.163A>G (p.Ile55Val)

Gene: OCRL (OCRL inositol polyphosphate-5-phosphatase; plus strand). Cytogenetic location: Xq26.1.
Variant type: single nucleotide variant.
Coding change: c.163A>G on transcript NM_000276.4 (MANE Select); coding-DNA position 163, A replaced by G.
Protein change: p.Ile55Val; replaces isoleucine 55 with valine.
Molecular consequence: missense variant.
Genome position (GRCh38, 1-based): chrX:129,545,001, A>G. VCF-style: chrX-129545001-A-G. GRCh37 (hg19) VCF-style: chrX-128678978-A-G.
Other names: c.163A>G (NM_000276.3); c.166A>G, p.Ile56Val (NM_001318784.2); c.163A>G, p.Ile55Val (NM_001587.4); short protein forms I56V, I55V.
Identifiers: ClinVar variation 2057620 (VCV002057620.2), dbSNP rs989911294, ClinGen allele CA335077985.